The following is an entry in ClinVar:

NM_001199107.2(TBC1D24):c.983+1G>C

Gene: TBC1D24 (TBC1 domain family member 24; plus strand). Cytogenetic location: 16p13.3.
Variant type: single nucleotide variant.
Coding change: c.983+1G>C on transcript NM_001199107.2 (MANE Select); the canonical splice donor site of the intron after coding-DNA position 983, G replaced by C.
Molecular consequence: splice donor variant. On other transcripts: intron variant (1).
Genome position (GRCh38, 1-based): chr16:2,497,728, G>C. VCF-style: chr16-2497728-G-C. GRCh37 (hg19) VCF-style: chr16-2547729-G-C.
Other names: c.966-510G>C (NM_020705.3).
Identifiers: ClinVar variation 1512442 (VCV001512442.7), dbSNP rs2141873582, ClinGen allele CA394378358.

ClinVar aggregate classification (germline): Likely pathogenic. Review status: criteria provided, multiple submitters, no conflicts (2 of 4 stars). 2 submissions from 2 submitters: Likely pathogenic (2). Last evaluated 2025-04-14.

Conditions:
Autosomal dominant nonsyndromic hearing loss 65. Also called: Deafness, autosomal dominant 65; TBC1D24-Related Autosomal Dominant Nonsyndromic Hearing Loss (DFNA). Identifiers: Orphanet 90635, MedGen C3892048, MONDO:0014470, OMIM 616044.
Developmental and epileptic encephalopathy, 1 (DEE1). Also called: X-linked infantile spasms; West's syndrome; Tonic spasms with clustering, arrest of psychomotor development and hypsarrhythmia on EEG; X-Linked Infantile Spasm Syndrome; OHTAHARA SYNDROME, X-LINKED; INFANTILE SPASM SYNDROME, X-LINKED 1. Identifiers: MedGen C3463992, MONDO:0010632, OMIM 308350. Disease mechanism: loss of function.

Allele frequency attached by ClinVar (database versions not stated): gnomAD exomes below 0.00001.
gnomAD v4.1: 1 of 1,536,104 alleles (0.000065%); highest among the groups gnomAD compares: African/African-American, 0.0014%; no homozygotes.

Submissions (2):

Revvity Omics, Revvity
Classification: Likely pathogenic. Last evaluated: 2025-04-14. Review status: criteria provided, single submitter. Criteria: ACMG Guidelines, 2015. Collection method: clinical testing. Allele origin: germline.

Labcorp Genetics (formerly Invitae), Labcorp
Classification: Likely pathogenic for Developmental and epileptic encephalopathy, 1; Autosomal dominant nonsyndromic hearing loss 65. Last evaluated: 2023-10-03. Review status: criteria provided, single submitter. Criteria: Invitae Variant Classification Sherloc (09022015). Collection method: clinical testing. Allele origin: germline.
Comment: This sequence change affects a donor splice site in intron 3 of the TBC1D24 gene. It is expected to disrupt RNA splicing. Variants that disrupt the donor or acceptor splice site typically lead to a loss of protein function (PMID: 16199547), and loss-of-function variants in TBC1D24 are known to be pathogenic (PMID: 23526554, 24291220). This variant is not present in population databases (gnomAD no frequency). This variant has not been reported in the literature in individuals affected with TBC1D24-related conditions. ClinVar contains an entry for this variant (Variation ID: 1512442). Algorithms developed to predict the effect of sequence changes on RNA splicing suggest that this variant may disrupt the consensus splice site. In summary, the currently available evidence indicates that the variant is pathogenic, but additional data are needed to prove that conclusively. Therefore, this variant has been classified as Likely Pathogenic.

Literature cited by the submitters: PubMed 16199547 (cited by Labcorp Genetics (formerly Invitae), Labcorp); PubMed 23526554 (cited by Labcorp Genetics (formerly Invitae), Labcorp); PubMed 24291220 (cited by Labcorp Genetics (formerly Invitae), Labcorp).